The following is an entry in ClinVar:

ClinVar aggregate classification (germline): Pathogenic (1 of 4 stars; one submission).

Conditions:
Fanconi anemia (FA). Also called: Fanconi's anemia. Identifiers: Orphanet 84, MedGen C0015625, MeSH D005199, MONDO:0019391.

Submission:

Labcorp Genetics (formerly Invitae), Labcorp
Classification: Pathogenic for Fanconi anemia. Last evaluated: 2023-06-23. Review status: criteria provided, single submitter. Criteria: Invitae Variant Classification Sherloc (09022015). Collection method: clinical testing. Allele origin: germline.
Comment: This sequence change creates a premature translational stop signal (p.Gln188Tyrfs*5) in the FANCA gene. It is expected to result in an absent or disrupted protein product. Loss-of-function variants in FANCA are known to be pathogenic (PMID: 19367192). For these reasons, this variant has been classified as Pathogenic. This variant has not been reported in the literature in individuals affected with FANCA-related conditions. This variant is not present in population databases (gnomAD no frequency).

Literature cited by the submitters: PubMed 19367192.

NM_000135.4(FANCA):c.560_561dup (p.Gln188fs)

Gene: FANCA (FA complementation group A; minus strand). Cytogenetic location: 16q24.3.
Variant type: Duplication.
Coding change: c.560_561dup on transcript NM_000135.4 (MANE Select); coding-DNA positions 560 to 561, 2 bases duplicated (TA; older notation c.560_561dupTA).
Protein change: p.Gln188fs; shifts the reading frame from glutamine 188.
Molecular consequence: frameshift variant.
Genome position (GRCh38, 1-based): chr16:89,808,329-89,808,330, TA duplicated on the plus strand (TA on the coding strand, the reverse complement: FANCA is on the minus strand). VCF-style (leftmost placement, unchanged base first): chr16-89808328-G-GTA. GRCh37 (hg19) VCF-style: chr16-89874736-G-GTA.
Other names: c.560_561dup, p.Gln188fs (NM_001018112.3, NM_001286167.3); c.464_465dup, p.Gln156fs (NM_001351830.2); short protein forms Q156fs, Q188fs.
Identifiers: ClinVar variation 2725112 (VCV002725112.3), dbSNP rs2544348010, ClinGen allele CA2697556033.